The following is an entry in ClinVar:

NM_005732.4(RAD50):c.1528G>A (p.Glu510Lys)

Gene: RAD50 (RAD50 double strand break repair protein; plus strand). Cytogenetic location: 5q31.1.
Variant type: single nucleotide variant.
Coding change: c.1528G>A on transcript NM_005732.4 (MANE Select); coding-DNA position 1528, G replaced by A.
Protein change: p.Glu510Lys; replaces glutamic acid 510 with lysine.
Molecular consequence: missense variant.
Genome position (GRCh38, 1-based): chr5:132,591,299, G>A. VCF-style: chr5-132591299-G-A. GRCh37 (hg19) VCF-style: chr5-131926991-G-A.
Other names: short protein forms E510K.
Identifiers: ClinVar variation 1774556 (VCV001774556.2), dbSNP rs1561640693, ClinGen allele CA360945716.

ClinVar aggregate classification (germline): Uncertain significance (1 of 4 stars; one submission).

Conditions:
Hereditary cancer-predisposing syndrome. Also called: Hereditary Cancer Syndrome; Hereditary neoplastic syndrome; Neoplastic Syndromes, Hereditary; Tumor predisposition. Identifiers: Orphanet 140162, MedGen C0027672, MeSH D009386, MONDO:0015356.

Submission:

Ambry Genetics
Classification: Uncertain significance for Hereditary cancer-predisposing syndrome. Last evaluated: 2022-05-27. Review status: criteria provided, single submitter. Criteria: Ambry Variant Classification Scheme 2023. Collection method: clinical testing. Allele origin: germline.
Comment: The p.E510K variant (also known as c.1528G>A), located in coding exon 10 of the RAD50 gene, results from a G to A substitution at nucleotide position 1528. The glutamic acid at codon 510 is replaced by lysine, an amino acid with similar properties. This amino acid position is conserved. In addition, this alteration is predicted to be tolerated by in silico analysis. Since supporting evidence is limited at this time, the clinical significance of this alteration remains unclear.